The following is an entry in ClinVar:

NM_006031.6(PCNT):c.4448_4791+1del

Gene: PCNT (pericentrin; plus strand). Cytogenetic location: 21q22.3.
Variant type: Deletion.
Coding change: c.4448_4791+1del on transcript NM_006031.6 (MANE Select); coding-DNA position 4448 through the canonical splice donor site of the intron after coding-DNA position 4791, 1,783 bases deleted.
Molecular consequence: splice acceptor variant, splice donor variant.
Genome position (GRCh38, 1-based): chr21:46,398,015-46,399,797, 1,783 bases deleted. GRCh37 (hg19): chr21:47,817,929-47,819,711.
Other names: c.4094_4437+1del (NM_001315529.2).
Identifiers: ClinVar variation 2444492 (VCV002444492.2), ClinGen allele CA2580099007.

ClinVar aggregate classification (germline): Likely pathogenic (1 of 4 stars; one submission).

Conditions:
Microcephalic osteodysplastic primordial dwarfism type II (MOPD2). Also called: Microcephalic osteodysplastic primordial dwarfism with tooth abnormalities; MOPD II; OSTEODYSPLASTIC PRIMORDIAL DWARFISM, TYPE II. Identifiers: Orphanet 2637, MedGen C0432246, MONDO:0008872, OMIM 210720.

Submission:

Pediatrics, Sichuan Provincial Hospital For Women And Children
Classification: Likely pathogenic for Microcephalic osteodysplastic primordial dwarfism type II. Last evaluated: 2023-03-14. Review status: criteria provided, single submitter. Criteria: ACMG Guidelines, 2015. Collection method: research, case-control. Allele origin: maternal. Inheritance: Autosomal recessive inheritance. Affected: yes. Observed: 1 heterozygote.